The following is an entry in ClinVar:

NM_001377.3(DYNC2H1):c.913G>A (p.Val305Met)

Gene: DYNC2H1 (dynein cytoplasmic 2 heavy chain 1; plus strand). Cytogenetic location: 11q22.3.
Variant type: single nucleotide variant.
Coding change: c.913G>A on transcript NM_001377.3 (MANE Select); coding-DNA position 913, G replaced by A.
Protein change: p.Val305Met; replaces valine 305 with methionine.
Molecular consequence: missense variant.
Genome position (GRCh38, 1-based): chr11:103,117,777, G>A. VCF-style: chr11-103117777-G-A. GRCh37 (hg19) VCF-style: chr11-102988506-G-A.
Other names: c.913G>A, p.Val305Met (NM_001080463.2); short protein forms V305M.
Identifiers: ClinVar variation 1509279 (VCV001509279.5), dbSNP rs201188696, ClinGen allele CA6252629.
Genomic context (GRCh38, chr11:103,117,777, plus strand): 5'-AAAGCTGGTATTTCAATTTGTGAACAGTGGGTGATAGTCTGTAATCATCTAACAGGTCAG[G>A]TGTGGCAGCGCTATGTTCCTCATCCATGGAAAAATGAAAAATATTTTCCAGAAACACTTG-3'
Protein context (NP_001368.2, residues 295-315): VIVCNHLTGQ[Val305Met]WQRYVPHPWK

ClinVar aggregate classification (germline): Uncertain significance. Review status: criteria provided, multiple submitters, no conflicts (2 of 4 stars). 3 submissions from 3 submitters: Uncertain significance (2). 1 of the submissions does not count toward it. Last evaluated 2024-09-18.

Conditions:
Jeune thoracic dystrophy. Also called: Jeune syndrome; Infantile thoracic dystrophy; Thoracic pelvic phalangeal dystrophy; Jeune's syndrome; Chondroectodermal dysplasia-like syndrome; Short-rib thoracic dysplasia. Identifiers: Orphanet 474, MedGen C0265275, MONDO:0018770.
Retinal dystrophy. Also called: Inherited retinal dystrophy. Identifiers: Orphanet 71862, MedGen C0854723, MeSH D058499, MONDO:0019118, HP:0000556.

Allele frequency attached by ClinVar (database versions not stated): ExAC 0.00009; gnomAD exomes 0.00010 and 0.00015; TOPMed 0.00010; ESP Exome Variant Server 0.00017; gnomAD 0.00019 and 0.00020.
gnomAD v4.1: 242 of 1,613,280 alleles (0.015%); highest among the groups gnomAD compares: Non-Finnish European, 0.019%; no homozygotes.

Submissions (3):

Blueprint Genetics
Classification: Uncertain significance. Last evaluated: 2024-09-18. Review status: criteria provided, single submitter. Criteria: ACMG Guidelines, 2015. Collection method: clinical testing. Allele origin: germline.

Labcorp Genetics (formerly Invitae), Labcorp
Classification: Uncertain significance for Jeune thoracic dystrophy. Last evaluated: 2022-10-17. Review status: criteria provided, single submitter. Criteria: Invitae Variant Classification Sherloc (09022015). Collection method: clinical testing. Allele origin: germline.
Comment: This sequence change replaces valine, which is neutral and non-polar, with methionine, which is neutral and non-polar, at codon 305 of the DYNC2H1 protein (p.Val305Met). This variant is present in population databases (rs201188696, gnomAD 0.03%). This missense change has been observed in individual(s) with short-rib thoracic dysplasia (PMID: 25492405). ClinVar contains an entry for this variant (Variation ID: 1509279). Advanced modeling of protein sequence and biophysical properties (such as structural, functional, and spatial information, amino acid conservation, physicochemical variation, residue mobility, and thermodynamic stability) performed at Invitae indicates that this missense variant is not expected to disrupt DYNC2H1 protein function. In summary, the available evidence is currently insufficient to determine the role of this variant in disease. Therefore, it has been classified as a Variant of Uncertain Significance.

Institute of Human Genetics, Univ. Regensburg, Univ. Regensburg
Classification: Uncertain significance for Retinal dystrophy. Last evaluated: 2022-01-01. Review status: no assertion criteria provided. Criteria: ACMG Guidelines, 2015. Collection method: clinical testing. Allele origin: germline. Affected: yes. Not counted in ClinVar's aggregate classification.

Literature cited by the submitters: PubMed 25492405 (cited by Labcorp Genetics (formerly Invitae), Labcorp).